The following is an entry in ClinVar:

ClinVar aggregate classification (germline): Likely pathogenic (1 of 4 stars; one submission).

Conditions:
Cerebellar-facial-dental syndrome. Also called: Cerebellofaciodental syndrome. Identifiers: Orphanet 444072, MedGen C4015495, MONDO:0014529, OMIM 616202.

Submission:

Variantyx, Inc.
Classification: Likely pathogenic for Cerebellar-facial-dental syndrome. Last evaluated: 2025-07-27. Review status: criteria provided, single submitter. Criteria: Variantyx Assertion Criteria 2022. Collection method: clinical testing. Allele origin: germline. Inheritance: Autosomal recessive inheritance. Affected: no.
Comment: This is a frameshift variant in the BRF1 gene (OMIM: 604902). Pathogenic variants in this gene have been associated with autosomal recessive cerebellofaciodental syndrome. This variant introduces a premature termination codon in exon 5 out of 18 and is expected to result in loss of function, which is a suggested disease mechanism for BRF1 in this disorder (PMID: 25561519) (PVS1). This variant has a 0.0009% maximum allele frequency in non-founder control populations (PM2) and it has not been reported in individuals with BRF1-related disorders in the databases available for review. Based on the current evidence, this variant is classified as likely pathogenic for autosomal recessive cerebellofaciodental syndrome.

Literature cited by the submitters: PubMed 25561519.

NM_001519.4(BRF1):c.518_519del (p.Glu173fs)

Gene: BRF1 (BRF1 general transcription factor IIIB subunit; minus strand). Cytogenetic location: 14q32.33.
Variant type: Microsatellite.
Coding change: c.518_519del on transcript NM_001519.4 (MANE Select); coding-DNA positions 518 to 519, 2 bases deleted (AG; older notation c.518_519delAG).
Protein change: p.Glu173fs; shifts the reading frame from glutamic acid 173.
Molecular consequence: frameshift variant.
Genome position (GRCh38, 1-based): chr14:105,252,532-105,252,533, CT deleted on the plus strand (AG on the coding strand, the reverse complement: BRF1 is on the minus strand); deleting any 2 consecutive bases within chr14:105,252,532-105,252,537 gives the same sequence; the c. name uses the placement nearest the transcript's 3' end. VCF-style (leftmost placement, unchanged base first): chr14-105252531-GCT-G. GRCh37 (hg19) VCF-style: chr14-105718868-GCT-G.
Other names: c.173_174del, p.Glu58fs (NM_001242786.2, NM_001242787.2, NM_001440451.1); c.437_438del, p.Glu146fs (NM_001242788.2); c.518_519del, p.Glu173fs (NM_001440449.1, NM_001440450.1); short protein forms E146fs, E173fs, E58fs.
Identifiers: ClinVar variation 4849987 (VCV004849987.1).